The following is an entry in ClinVar:

ClinVar aggregate classification (germline): Likely benign (1 of 4 stars; one submission).

Submission:

Laboratory for Molecular Medicine, Mass General Brigham Personalized Medicine
Classification: Likely benign. Last evaluated: 2012-09-19. Review status: criteria provided, single submitter. Criteria: LMM Criteria. Collection method: clinical testing. Allele origin: germline. Observed: 1 variant allele.
Comment: Leu482Leu in exon 15 of RYR2: This variant is not expected to have clinical sign ificance because it does not alter an amino acid residue and is not located with in the splice consensus sequence. Leu482Leu in exon 15 of RYR2 (allele frequenc y = n/a)

NM_001035.3(RYR2):c.1446G>A (p.Leu482=)

Gene: RYR2 (ryanodine receptor 2; plus strand). Cytogenetic location: 1q43.
Variant type: single nucleotide variant.
Coding change: c.1446G>A on transcript NM_001035.3 (MANE Select); coding-DNA position 1446, G replaced by A.
Protein change: p.Leu482=; no amino-acid change (leucine 482 retained).
Molecular consequence: synonymous variant.
Genome position (GRCh38, 1-based): chr1:237,454,544, G>A. VCF-style: chr1-237454544-G-A. GRCh37 (hg19) VCF-style: chr1-237617844-G-A.
Identifiers: ClinVar variation 43744 (VCV000043744.5), dbSNP rs397516517, ClinGen allele CA008265.